The following is an entry in ClinVar:

ClinVar aggregate classification (germline): Uncertain significance (1 of 4 stars; one submission).

Conditions:
Noonan syndrome-like disorder with loose anagen hair 2 (NSLH2). Identifiers: MedGen C4479577, MONDO:0054588, OMIM 617506.

Submission:

Clinical Genomics Laboratory, Washington University in St. Louis
Classification: Uncertain significance for Noonan syndrome-like disorder with loose anagen hair 2. Last evaluated: 2026-03-03. Review status: criteria provided, single submitter. Criteria: ACMG Guidelines, 2015. Collection method: clinical testing. Allele origin: germline.
Comment: The PPP1CB c.865A>G (p.Met289Val) variant, to our knowledge, has not been reported in the medical literature. This variant is absent from the general population (gnomAD v2.1.1), indicating it is not a common variant. Computational predictors are uncertain as to the impact of this variant on PPP1CB function. Due to limited information, and based on the ClinGen RASopathy Expert Panel Specifications to the ACMG/AMP Variant Interpretation Guidelines for PPP1CB Version 1.3.0 (Wilcox EM et al., PMID: 40496714), the clinical significance of this variant is uncertain at this time.

NM_002709.3(PPP1CB):c.865A>G (p.Met289Val)

Gene: PPP1CB (protein phosphatase 1 catalytic subunit beta; plus strand). Cytogenetic location: 2p23.2.
Variant type: single nucleotide variant.
Coding change: c.865A>G on transcript NM_002709.3 (MANE Select); coding-DNA position 865, A replaced by G.
Protein change: p.Met289Val; replaces methionine 289 with valine.
Molecular consequence: missense variant.
Genome position (GRCh38, 1-based): chr2:28,793,983, A>G. VCF-style: chr2-28793983-A-G. GRCh37 (hg19) VCF-style: chr2-29016849-A-G.
Other names: c.865A>G, p.Met289Val (NM_206876.2); short protein forms M289V.
Identifiers: ClinVar variation 4879244 (VCV004879244.1).